The following is an entry in ClinVar:

ClinVar aggregate classification (germline): Uncertain significance (1 of 4 stars; one submission).

Conditions:
Neutrophil immunodeficiency syndrome. Also called: Immunodeficiency 73A with defective neutrophil chemotaxis and leukocytosis. Identifiers: Orphanet 183707, MedGen C1842398, MONDO:0011988, OMIM 608203.

gnomAD v4.1: 2 of 1,614,036 alleles (0.00012%); no homozygotes.

Submission:

Labcorp Genetics (formerly Invitae), Labcorp
Classification: Uncertain significance for Neutrophil immunodeficiency syndrome. Last evaluated: 2025-07-02. Review status: criteria provided, single submitter. Criteria: Invitae Variant Classification Sherloc (09022015). Collection method: clinical testing. Allele origin: germline.
Comment: This sequence change falls in intron 4 of the RAC2 gene. It does not directly change the encoded amino acid sequence of the RAC2 protein. It affects a nucleotide within the consensus splice site. This variant is not present in population databases (gnomAD no frequency). This variant has not been reported in the literature in individuals affected with RAC2-related conditions. ClinVar contains an entry for this variant (Variation ID: 3694239). Variants that disrupt the consensus splice site are a relatively common cause of aberrant splicing (PMID: 17576681, 9536098). Algorithms developed to predict the effect of sequence changes on RNA splicing suggest that this variant is not likely to affect RNA splicing. In summary, the available evidence is currently insufficient to determine the role of this variant in disease. Therefore, it has been classified as a Variant of Uncertain Significance.

Literature cited by the submitters: PubMed 17576681; PubMed 9536098.

NM_002872.5(RAC2):c.289-3C>T

Gene: RAC2 (Rac family small GTPase 2; minus strand). Cytogenetic location: 22q13.1.
Variant type: single nucleotide variant.
Coding change: c.289-3C>T on transcript NM_002872.5 (MANE Select); 3 bases into the intron before coding-DNA position 289, C replaced by T.
Molecular consequence: intron variant.
Genome position (GRCh38, 1-based): chr22:37,231,393, G>A on the plus strand (C>T on the coding strand, the complement: RAC2 is on the minus strand). VCF-style: chr22-37231393-G-A. GRCh37 (hg19) VCF-style: chr22-37627433-G-A.
Identifiers: ClinVar variation 3694239 (VCV003694239.2).